The following is an entry in ClinVar:

ClinVar aggregate classification (germline): Likely benign. Review status: criteria provided, single submitter (1 of 4 stars). 2 submissions from 2 submitters: Likely benign (1). 1 of the submissions does not count toward it. Last evaluated 2025-08-07.

Conditions:
PDE3A-related disorder. Also called: PDE3A-related condition.

Allele frequency attached by ClinVar (database versions not stated): 1000 Genomes Project 30x 0.00016; 1000 Genomes Project 0.00020; ESP Exome Variant Server 0.00062; TOPMed 0.00084; gnomAD 0.00088 and 0.00101.
gnomAD v4.1: 284 of 1,613,960 alleles (0.018%); highest among the groups gnomAD compares: African/African-American, 0.21%; 2 homozygotes.

Submissions (2):

Labcorp Genetics (formerly Invitae), Labcorp
Classification: Likely benign. Last evaluated: 2025-08-07. Review status: criteria provided, single submitter. Criteria: Invitae Variant Classification Sherloc (09022015). Collection method: clinical testing. Allele origin: germline.

PreventionGenetics, part of Exact Sciences
Classification: Likely benign for PDE3A-related condition. Last evaluated: 2019-10-03. Review status: no assertion criteria provided. Collection method: clinical testing. Allele origin: germline. Not counted in ClinVar's aggregate classification.
Comment: This variant is classified as likely benign based on ACMG/AMP sequence variant interpretation guidelines (Richards et al. 2015 PMID: 25741868, with internal and published modifications).

NM_000921.5(PDE3A):c.1045G>A (p.Val349Ile)

Gene: PDE3A (phosphodiesterase 3A; plus strand). Cytogenetic location: 12p12.2.
Variant type: single nucleotide variant.
Coding change: c.1045G>A on transcript NM_000921.5 (MANE Select); coding-DNA position 1045, G replaced by A.
Protein change: p.Val349Ile; replaces valine 349 with isoleucine.
Molecular consequence: missense variant.
Genome position (GRCh38, 1-based): chr12:20,613,476, G>A. VCF-style: chr12-20613476-G-A. GRCh37 (hg19) VCF-style: chr12-20766410-G-A.
Other names: c.79G>A, p.Val27Ile (NM_001244683.2, NM_001378409.1); c.1045G>A, p.Val349Ile (NM_001378407.1); c.82G>A, p.Val28Ile (NM_001378408.1); short protein forms V27I, V349I, V28I.
Identifiers: ClinVar variation 787391 (VCV000787391.10), dbSNP rs150253039, ClinGen allele CA6473633.
Genomic context (GRCh38, chr12:20,613,476, plus strand): 5'-CTGATCTTGTCTTGGTTTGTGTCTCAGTCTTCAGGAACCAGTATTACTGTGGACATCGCC[G>A]TCATGGGCGAGGCCCACGGCCTCATTACCGACCTCCTGGCAGACCCTTCTCTTCCACCAA-3'
Protein context (NP_000912.3, residues 339-359): SGTSITVDIA[Val349Ile]MGEAHGLITD